The following is an entry in ClinVar:

NC_000016.9:g.(?_75589682)_(75590169_?)del

Gene: TMEM231 (transmembrane protein 231; minus strand). Cytogenetic location: 16q23.1.
Variant type: Deletion.
Identifiers: ClinVar variation 2423617 (VCV002423617.4).

ClinVar aggregate classification (germline): Pathogenic (1 of 4 stars; one submission).

Conditions:
Joubert syndrome 20 (JBTS20). Identifiers: Orphanet 475, MedGen C3554235, MONDO:0013994, OMIM 614970.
Meckel syndrome, type 11 (MKS11). Identifiers: Orphanet 564, MedGen C3809352, MONDO:0014164, OMIM 615397.

Submission:

Labcorp Genetics (formerly Invitae), Labcorp
Classification: Pathogenic for Joubert syndrome 20; Meckel syndrome, type 11. Last evaluated: 2023-09-11. Review status: criteria provided, single submitter. Criteria: Invitae Variant Classification Sherloc (09022015). Collection method: clinical testing. Allele origin: germline.
Comment: For these reasons, this variant has been classified as Pathogenic. This variant has not been reported in the literature in individuals affected with TMEM231-related conditions. This variant is a gross deletion of the genomic region encompassing exon(s) 1 of the TMEM231 gene, which includes the initiator codon. This deletion extends beyond the assayed region for this gene and therefore may encompass additional genes. It is expected to result in an absent or disrupted protein product. Loss-of-function variants in TMEM231 are known to be pathogenic (PMID: 23012439, 23349226).

Literature cited by the submitters: PubMed 23012439; PubMed 23349226.